The following is an entry in ClinVar:

ClinVar aggregate classification (germline): Uncertain significance (1 of 4 stars; one submission).

Allele frequency attached by ClinVar (database versions not stated): TOPMed 0.00005.
gnomAD v4.1: 125 of 1,587,252 alleles (0.0079%); highest among the groups gnomAD compares: Non-Finnish European, 0.0094%; no homozygotes.

Submission:

Labcorp Genetics (formerly Invitae), Labcorp
Classification: Uncertain significance. Last evaluated: 2025-03-17. Review status: criteria provided, single submitter. Criteria: Invitae Variant Classification Sherloc (09022015). Collection method: clinical testing. Allele origin: germline.
Comment: This sequence change replaces glycine, which is neutral and non-polar, with arginine, which is basic and polar, at codon 165 of the FSCN2 protein (p.Gly165Arg). The frequency data for this variant in the population databases is considered unreliable, as metrics indicate poor data quality at this position in the gnomAD database. This missense change has been observed in individual(s) with retinitis pigmentosa (PMID: 16799052). ClinVar contains an entry for this variant (Variation ID: 1014921). An algorithm developed to predict the effect of missense changes on protein structure and function (PolyPhen-2) suggests that this variant is likely to be tolerated. In summary, the available evidence is currently insufficient to determine the role of this variant in disease. Therefore, it has been classified as a Variant of Uncertain Significance.

Literature cited by the submitters: PubMed 16799052.

NM_012418.4(FSCN2):c.493G>A (p.Gly165Arg)

Gene: FSCN2 (fascin actin-bundling protein 2, retinal; plus strand). Cytogenetic location: 17q25.3.
Variant type: single nucleotide variant.
Coding change: c.493G>A on transcript NM_012418.4 (MANE Select); coding-DNA position 493, G replaced by A.
Protein change: p.Gly165Arg; replaces glycine 165 with arginine.
Molecular consequence: missense variant.
Genome position (GRCh38, 1-based): chr17:81,529,024, G>A. VCF-style: chr17-81529024-G-A. GRCh37 (hg19) VCF-style: chr17-79496050-G-A.
Other names: c.493G>A, p.Gly165Arg (NM_001077182.3); short protein forms G165R.
Identifiers: ClinVar variation 1014921 (VCV001014921.6), dbSNP rs112994063, ClinGen allele CA8836700.